The following is an entry in ClinVar:

ClinVar aggregate classification (germline): Benign (1 of 4 stars; one submission).

Conditions:
Immunodeficiency 51 (IMD51). Also called: CANDIDIASIS, FAMILIAL, 5. Identifiers: Orphanet 1334, MedGen C4310803, MONDO:0013500, OMIM 613953.

Allele frequency attached by ClinVar (database versions not stated): gnomAD 0.00618 and 0.00663; 1000 Genomes Project 30x 0.00625; 1000 Genomes Project 0.00639; TOPMed 0.00686.

Submission:

Illumina Laboratory Services, Illumina
Classification: Benign for Immunodeficiency 51. Last evaluated: 2018-01-13. Review status: criteria provided, single submitter. Criteria: ICSL Variant Classification Criteria 13 December 2019. Collection method: clinical testing. Allele origin: germline.
Comment: This variant was observed in the ICSL laboratory as part of a predisposition screen in an ostensibly healthy population. It had not been previously curated by ICSL or reported in the Human Gene Mutation Database (HGMD: prior to June 1st, 2018), and was therefore a candidate for classification through an automated scoring system. Utilizing variant allele frequency, disease prevalence and penetrance estimates, and inheritance mode, an automated score was calculated to assess if this variant is too frequent to cause the disease. Based on the score and internal cut-off values, a variant classified as benign is not then subjected to further curation. The score for this variant resulted in a classification of benign for this disease.

NM_014339.7(IL17RA):c.*2112C>T

Gene: IL17RA (interleukin 17 receptor A; plus strand). Cytogenetic location: 22q11.1.
Variant type: single nucleotide variant.
Coding change: c.*2112C>T on transcript NM_014339.7 (MANE Select); 2112 bases downstream of the stop codon, C replaced by T.
Molecular consequence: 3 prime UTR variant.
Genome position (GRCh38, 1-based): chr22:17,111,932, C>T. VCF-style: chr22-17111932-C-T. GRCh37 (hg19) VCF-style: chr22-17592822-C-T.
Other names: c.*2112C>T (NM_001289905.2).
Identifiers: ClinVar variation 898322 (VCV000898322.4), dbSNP rs12159073, ClinGen allele CA321155854.